The following is an entry in ClinVar:

ClinVar aggregate classification (germline): Uncertain significance (1 of 4 stars; one submission).

Conditions:
Hereditary cancer-predisposing syndrome. Also called: Hereditary Cancer Syndrome; Hereditary neoplastic syndrome; Neoplastic Syndromes, Hereditary; Tumor predisposition. Identifiers: Orphanet 140162, MedGen C0027672, MeSH D009386, MONDO:0015356.

Submission:

Ambry Genetics
Classification: Uncertain significance for Hereditary cancer-predisposing syndrome. Last evaluated: 2022-08-31. Review status: criteria provided, single submitter. Criteria: Ambry Variant Classification Scheme 2023. Collection method: clinical testing. Allele origin: germline.
Comment: The p.E3157K variant (also known as c.9469G>A), located in coding exon 24 of the BRCA2 gene, results from a G to A substitution at nucleotide position 9469. The glutamic acid at codon 3157 is replaced by lysine, an amino acid with similar properties. This amino acid position is conserved. In addition, the in silico prediction for this alteration is inconclusive. Since supporting evidence is limited at this time, the clinical significance of this alteration remains unclear.

NM_000059.4(BRCA2):c.9469G>A (p.Glu3157Lys)

Gene: BRCA2 (BRCA2 DNA repair associated; plus strand). Cytogenetic location: 13q13.1.
Variant type: single nucleotide variant.
Coding change: c.9469G>A on transcript NM_000059.4 (MANE Select); coding-DNA position 9469, G replaced by A.
Protein change: p.Glu3157Lys; replaces glutamic acid 3157 with lysine.
Molecular consequence: missense variant.
Genome position (GRCh38, 1-based): chr13:32,394,901, G>A. VCF-style: chr13-32394901-G-A. GRCh37 (hg19) VCF-style: chr13-32969038-G-A.
Other names: c.9373G>A, p.Glu3125Lys (NM_001406719.1); c.9418G>A, p.Glu3140Lys (NM_001406720.1); c.4537G>A, p.Glu1513Lys (NM_001406721.1); c.3052G>A, p.Glu1018Lys (NM_001406722.1); short protein forms E1513K, E3125K, E3140K, E1018K, E3157K.
Identifiers: ClinVar variation 1767049 (VCV001767049.2), dbSNP rs2137654354, ClinGen allele CA387761743.